The following is an entry in ClinVar:

NM_000142.5(FGFR3):c.1808G>A (p.Arg603Gln)

Gene: FGFR3 (fibroblast growth factor receptor 3; plus strand). Cytogenetic location: 4p16.3.
Variant type: single nucleotide variant.
Coding change: c.1808G>A on transcript NM_000142.5 (MANE Select); coding-DNA position 1808, G replaced by A.
Protein change: p.Arg603Gln; replaces arginine 603 with glutamine.
Molecular consequence: missense variant. On other transcripts: non-coding transcript variant (1).
Genome position (GRCh38, 1-based): chr4:1,805,912, G>A. VCF-style: chr4-1805912-G-A. GRCh37 (hg19) VCF-style: chr4-1807639-G-A.
Other names: c.1814G>A, p.Arg605Gln (NM_001163213.2); c.1811G>A, p.Arg604Gln (NM_001354809.2, NM_001354810.2); c.1472G>A, p.Arg491Gln (NM_022965.4); short protein forms R603Q, R605Q, R491Q, R604Q.
Identifiers: ClinVar variation 452156 (VCV000452156.2), dbSNP rs1462697338, ClinGen allele CA355981966.

ClinVar aggregate classification (germline): Uncertain significance (1 of 4 stars; one submission).

Allele frequency attached by ClinVar (database versions not stated): TOPMed below 0.00001; gnomAD exomes below 0.00001.
gnomAD v4.1: 2 of 1,611,412 alleles (0.00012%); highest among the groups gnomAD compares: Non-Finnish European, 0.00017%; no homozygotes.

Submission:

GeneDx
Classification: Uncertain significance. Last evaluated: 2017-09-18. Review status: criteria provided, single submitter. Criteria: GeneDx Variant Classification (06012015). Collection method: clinical testing. Allele origin: germline. Affected: yes.
Comment: The R603Q variant has not been published as a pathogenic variant, nor has it been reported as a benign variant to our knowledge. The R603Q variant is not observed in large population cohorts (Lek et al., 2016; 1000 Genomes Consortium et al., 2015; Exome Variant Server). The R603Q variant is a semi-conservative amino acid substitution, which may impact secondary protein structure as these residues differ in some properties. This substitution occurs at a position that is conserved across species and in silico analysis predicts this variant is probably damaging to the protein structure/function. In summary, based on the currently available information, it is unclear whether this variant is a pathogenic variant or a rare benign variant.